The following is an entry in ClinVar:

NM_176824.3(BBS7):c.821C>T (p.Ala274Val)

Gene: BBS7 (Bardet-Biedl syndrome 7; minus strand). Cytogenetic location: 4q27.
Variant type: single nucleotide variant.
Coding change: c.821C>T on transcript NM_176824.3 (MANE Select); coding-DNA position 821, C replaced by T.
Protein change: p.Ala274Val; replaces alanine 274 with valine.
Molecular consequence: missense variant.
Genome position (GRCh38, 1-based): chr4:121,852,984, G>A on the plus strand (C>T on the coding strand, the complement: BBS7 is on the minus strand). VCF-style: chr4-121852984-G-A. GRCh37 (hg19) VCF-style: chr4-122774139-G-A.
Other names: c.821C>T, p.Ala274Val (NM_018190.4); short protein forms A274V.
Identifiers: ClinVar variation 967867 (VCV000967867.6), dbSNP rs754878470, ClinGen allele CA358064191.

ClinVar aggregate classification (germline): Uncertain significance (1 of 4 stars; one submission).

Conditions:
Bardet-Biedl syndrome (BBS). Identifiers: Orphanet 110, MedGen C0752166, MONDO:0015229.

gnomAD v4.1: 3 of 1,613,548 alleles (0.00019%); highest among the groups gnomAD compares: Non-Finnish European, 0.00025%; no homozygotes.

Submission:

Labcorp Genetics (formerly Invitae), Labcorp
Classification: Uncertain significance for Bardet-Biedl syndrome. Last evaluated: 2019-11-06. Review status: criteria provided, single submitter. Criteria: Invitae Variant Classification Sherloc (09022015). Collection method: clinical testing. Allele origin: germline.
Comment: This sequence change replaces alanine with valine at codon 274 of the BBS7 protein (p.Ala274Val). The alanine residue is highly conserved and there is a small physicochemical difference between alanine and valine. This variant is not present in population databases (ExAC no frequency). This variant has not been reported in the literature in individuals with BBS7-related conditions. Algorithms developed to predict the effect of missense changes on protein structure and function (SIFT, PolyPhen-2, Align-GVGD) all suggest that this variant is likely to be tolerated, but these predictions have not been confirmed by published functional studies and their clinical significance is uncertain. Algorithms developed to predict the effect of sequence changes on RNA splicing suggest that this variant may create or strengthen a splice site, but this prediction has not been confirmed by published transcriptional studies. In summary, the available evidence is currently insufficient to determine the role of this variant in disease. Therefore, it has been classified as a Variant of Uncertain Significance.